The following is an entry in ClinVar:

NM_000256.3(MYBPC3):c.2399G>T (p.Gly800Val)

Gene: MYBPC3 (myosin binding protein C3; minus strand). Cytogenetic location: 11p11.2.
Variant type: single nucleotide variant.
Coding change: c.2399G>T on transcript NM_000256.3 (MANE Select); coding-DNA position 2399, G replaced by T.
Protein change: p.Gly800Val; replaces glycine 800 with valine.
Molecular consequence: missense variant.
Genome position (GRCh38, 1-based): chr11:47,337,704, C>A on the plus strand (G>T on the coding strand, the complement: MYBPC3 is on the minus strand). VCF-style: chr11-47337704-C-A. GRCh37 (hg19) VCF-style: chr11-47359255-C-A.
Other names: short protein forms G800V.
Identifiers: ClinVar variation 961662 (VCV000961662.9), dbSNP rs1273374175, ClinGen allele CA380318627.

ClinVar aggregate classification (germline): Uncertain significance (1 of 4 stars; one submission).

Conditions:
Hypertrophic cardiomyopathy. Also called: HYPERTROPHIC MYOCARDIOPATHY. Identifiers: Orphanet 217569, MedGen C0007194, MeSH D002312, MONDO:0005045, HP:0001639.

gnomAD v4.1: 1 of 1,579,358 alleles (0.000063%); highest among the groups gnomAD compares: South Asian, 0.0011%; no homozygotes.

Submission:

Labcorp Genetics (formerly Invitae), Labcorp
Classification: Uncertain significance for Hypertrophic cardiomyopathy. Last evaluated: 2019-09-19. Review status: criteria provided, single submitter. Criteria: Invitae Variant Classification Sherloc (09022015). Collection method: clinical testing. Allele origin: germline.
Comment: This sequence change replaces glycine with valine at codon 800 of the MYBPC3 protein (p.Gly800Val). The glycine residue is highly conserved and there is a moderate physicochemical difference between glycine and valine. This variant is not present in population databases (ExAC no frequency). This variant has not been reported in the literature in individuals with MYBPC3-related conditions. Algorithms developed to predict the effect of missense changes on protein structure and function (SIFT, PolyPhen-2, Align-GVGD) all suggest that this variant is likely to be disruptive, but these predictions have not been confirmed by published functional studies and their clinical significance is uncertain. In summary, the available evidence is currently insufficient to determine the role of this variant in disease. Therefore, it has been classified as a Variant of Uncertain Significance.